The following is an entry in ClinVar:

ClinVar aggregate classification (germline): Uncertain significance (1 of 4 stars; one submission).

Allele frequency attached by ClinVar (database versions not stated): gnomAD exomes below 0.00001 and 0.00001.
gnomAD v4.1: 2 of 1,613,900 alleles (0.00012%); highest among the groups gnomAD compares: Admixed American, 0.0033%; no homozygotes.

Submission:

Labcorp Genetics (formerly Invitae), Labcorp
Classification: Uncertain significance. Last evaluated: 2024-05-20. Review status: criteria provided, single submitter. Criteria: Invitae Variant Classification Sherloc (09022015). Collection method: clinical testing. Allele origin: germline.
Comment: This sequence change replaces leucine, which is neutral and non-polar, with proline, which is neutral and non-polar, at codon 53 of the AP3B2 protein (p.Leu53Pro). This variant is present in population databases (no rsID available, gnomAD 0.006%). This variant has not been reported in the literature in individuals affected with AP3B2-related conditions. ClinVar contains an entry for this variant (Variation ID: 1445499). An algorithm developed to predict the effect of missense changes on protein structure and function (PolyPhen-2) suggests that this variant is likely to be tolerated. In summary, the available evidence is currently insufficient to determine the role of this variant in disease. Therefore, it has been classified as a Variant of Uncertain Significance.

NM_001278512.2(AP3B2):c.158T>C (p.Leu53Pro)

Genes: AP3B2 (adaptor related protein complex 3 subunit beta 2; minus strand), CPEB1-AS1 (CPEB1 antisense RNA 1; plus strand). Cytogenetic location: 15q25.2.
Variant type: single nucleotide variant.
Coding change: c.158T>C on transcript NM_001278512.2 (MANE Select); coding-DNA position 158, T replaced by C.
Protein change: p.Leu53Pro; replaces leucine 53 with proline.
Molecular consequence: missense variant.
Genome position (GRCh38, 1-based): chr15:82,689,409, A>G on the plus strand (T>C on the coding strand, the complement: AP3B2 is on the minus strand). VCF-style: chr15-82689409-A-G. GRCh37 (hg19) VCF-style: chr15-83358161-A-G.
Other names: c.158T>C, p.Leu53Pro (NM_001278511.2, NM_001348440.2, NM_004644.5); short protein forms L53P.
Identifiers: ClinVar variation 1445499 (VCV001445499.6), dbSNP rs1180744003, ClinGen allele CA393302161.
Genomic context (GRCh38, chr15:82,689,409, plus strand): 5'-GGAGGGAGGCCTCCTCCTTCCCCTCTTACCGCCACAATCCTCTTCATGGCCTCCAGCTTG[A>G]GAGAATCCTTGTTGGTGTCCAGCATCTCCTTCAGGTCATCATGCCTGGTGGGAGGTACAA-3'
Protein context (NP_001265441.1, residues 43-63): KEMLDTNKDS[Leu53Pro]KLEAMKRIVA